The following is an entry in ClinVar:

NM_005402.4(RALA):c.514A>G (p.Met172Val)

Gene: RALA (RAS like proto-oncogene A; plus strand). Cytogenetic location: 7p14.1.
Variant type: single nucleotide variant.
Coding change: c.514A>G on transcript NM_005402.4 (MANE Select); coding-DNA position 514, A replaced by G.
Protein change: p.Met172Val; replaces methionine 172 with valine.
Molecular consequence: missense variant.
Genome position (GRCh38, 1-based): chr7:39,706,138, A>G. VCF-style: chr7-39706138-A-G. GRCh37 (hg19) VCF-style: chr7-39745737-A-G.
Other names: short protein forms M172V.
Identifiers: ClinVar variation 4538870 (VCV004538870.1).

ClinVar aggregate classification (germline): Uncertain significance (1 of 4 stars; one submission).

Submission:

GeneDx
Classification: Uncertain significance. Last evaluated: 2025-06-16. Review status: criteria provided, single submitter. Criteria: GeneDx Variant Classification Process June 2021. Collection method: clinical testing. Allele origin: germline. Affected: yes.
Comment: Not observed at significant frequency in large population cohorts (gnomAD); In silico analysis suggests that this missense variant does not alter protein structure/function; Has not been previously published as pathogenic or benign to our knowledge